The following is an entry in ClinVar:

ClinVar aggregate classification (germline): Uncertain significance. Review status: criteria provided, multiple submitters, no conflicts (2 of 4 stars). 2 submissions from 2 submitters: Uncertain significance (2). Last evaluated 2024-07-22.

Allele frequency attached by ClinVar (database versions not stated): gnomAD exomes 0.00001.
gnomAD v4.1: 4 of 1,612,226 alleles (0.00025%); highest among the groups gnomAD compares: South Asian, 0.0044%; no homozygotes.

Submissions (2):

Mayo Clinic Laboratories, Mayo Clinic
Classification: Uncertain significance. Last evaluated: 2024-07-22. Review status: criteria provided, single submitter. Criteria: ACMG Guidelines, 2015. Collection method: clinical testing. Allele origin: germline. Observed: 1 variant allele.

Labcorp Genetics (formerly Invitae), Labcorp
Classification: Uncertain significance. Last evaluated: 2022-05-08. Review status: criteria provided, single submitter. Criteria: Invitae Variant Classification Sherloc (09022015). Collection method: clinical testing. Allele origin: germline.
Comment: In summary, the available evidence is currently insufficient to determine the role of this variant in disease. Therefore, it has been classified as a Variant of Uncertain Significance. Algorithms developed to predict the effect of missense changes on protein structure and function are either unavailable or do not agree on the potential impact of this missense change (SIFT: "Tolerated"; PolyPhen-2: "Possibly Damaging"; Align-GVGD: "Class C0"). This variant has not been reported in the literature in individuals affected with KIDINS220-related conditions. This variant is present in population databases (no rsID available, gnomAD 0.003%). This sequence change replaces isoleucine, which is neutral and non-polar, with threonine, which is neutral and polar, at codon 1025 of the KIDINS220 protein (p.Ile1025Thr).

NM_020738.4(KIDINS220):c.3074T>C (p.Ile1025Thr)

Gene: KIDINS220 (kinase D interacting substrate 220; minus strand). Cytogenetic location: 2p25.1.
Variant type: single nucleotide variant.
Coding change: c.3074T>C on transcript NM_020738.4 (MANE Select); coding-DNA position 3074, T replaced by C.
Protein change: p.Ile1025Thr; replaces isoleucine 1025 with threonine.
Molecular consequence: missense variant. On other transcripts: non-coding transcript variant (2).
Genome position (GRCh38, 1-based): chr2:8,751,582, A>G on the plus strand (T>C on the coding strand, the complement: KIDINS220 is on the minus strand). VCF-style: chr2-8751582-A-G. GRCh37 (hg19) VCF-style: chr2-8891712-A-G.
Other names: p.Ile1025Thr; c.3077T>C, p.Ile1026Thr (NM_001348729.2, NM_001348731.2, NM_001348734.2 and 2 more transcripts); c.3074T>C, p.Ile1025Thr (NM_001348732.2, NM_001348735.2, NM_001348738.2 and 3 more transcripts); c.2948T>C, p.Ile983Thr (NM_001348736.2); short protein forms I1026T, I983T, I1025T.
Identifiers: ClinVar variation 1969177 (VCV001969177.6), dbSNP rs1227800786, ClinGen allele CA345772519.